The following is an entry in ClinVar:

NM_031433.4(MFRP):c.492_493delinsTG (p.Pro165Ala)

Genes: C1QTNF5 (C1q and TNF related 5; minus strand), MFRP (membrane frizzled-related protein; minus strand). Cytogenetic location: 11q23.3.
Variant type: Indel.
Coding change: c.492_493delinsTG on transcript NM_031433.4 (MANE Select); coding-DNA positions 492 to 493, CC replaced by TG.
Protein change: p.Pro165Ala; replaces proline 165 with alanine.
Molecular consequence: missense variant. On other transcripts: 5 prime UTR variant (1).
Genome position (GRCh38, 1-based): chr11:119,345,568-119,345,569, GG replaced by CA on the plus strand (CC replaced by TG on the coding strand, the reverse complement: MFRP is on the minus strand). VCF-style: chr11-119345568-GG-CA. GRCh37 (hg19) VCF-style: chr11-119216278-GG-CA.
Other names: c.-2145_-2144delinsTG (NM_015645.5); short protein forms P165A.
Identifiers: ClinVar variation 2145251 (VCV002145251.3), dbSNP rs2497092562, ClinGen allele CA2580083727.

ClinVar aggregate classification (germline): Uncertain significance (1 of 4 stars; one submission).

Conditions:
Isolated microphthalmia 5. Also called: Posterior Microphthalmia with Retinitis Pigmentosa, Foveoschisis, and Optic Disc Drusen. Identifiers: Orphanet 251279, MedGen C1970236, MONDO:0012605, OMIM 611040.

Submission:

Labcorp Genetics (formerly Invitae), Labcorp
Classification: Uncertain significance for Isolated microphthalmia 5. Last evaluated: 2024-02-24. Review status: criteria provided, single submitter. Criteria: Invitae Variant Classification Sherloc (09022015). Collection method: clinical testing. Allele origin: germline.
Comment: This sequence change replaces proline, which is neutral and non-polar, with alanine, which is neutral and non-polar, at codon 165 of the MFRP protein (p.Pro165Ala). Information on the frequency of this variant in the gnomAD database is not available, as this variant may be reported differently in the database. This variant has not been reported in the literature in individuals affected with MFRP-related conditions. ClinVar contains an entry for this variant (Variation ID: 2145251). Experimental studies and prediction algorithms are not available or were not evaluated, and the functional significance of this variant is currently unknown. In summary, the available evidence is currently insufficient to determine the role of this variant in disease. Therefore, it has been classified as a Variant of Uncertain Significance.